The following is an entry in ClinVar:

ClinVar aggregate classification (germline): Likely benign (0 of 4 stars; one submission).

Conditions:
RREB1-related disorder. Also called: RREB1-related condition.

Allele frequency attached by ClinVar (database versions not stated): gnomAD exomes 0.00003; ExAC 0.00004; gnomAD 0.00012; TOPMed 0.00025.
gnomAD v4.1: 37 of 1,609,040 alleles (0.0023%); highest among the groups gnomAD compares: Admixed American, 0.052%; 1 homozygote.

Submission:

PreventionGenetics, part of Exact Sciences
Classification: Likely benign for RREB1-related condition. Last evaluated: 2019-11-21. Review status: no assertion criteria provided. Collection method: clinical testing. Allele origin: germline.
Comment: This variant is classified as likely benign based on ACMG/AMP sequence variant interpretation guidelines (Richards et al. 2015 PMID: 25741868, with internal and published modifications).

NM_001003699.4(RREB1):c.3201C>T (p.Ser1067=)

Gene: RREB1 (ras responsive element binding protein 1; plus strand). Cytogenetic location: 6p24.3.
Variant type: single nucleotide variant.
Coding change: c.3201C>T on transcript NM_001003699.4 (MANE Select); coding-DNA position 3201, C replaced by T.
Protein change: p.Ser1067=; no amino-acid change (serine 1067 retained).
Molecular consequence: synonymous variant.
Genome position (GRCh38, 1-based): chr6:7,231,300, C>T. VCF-style: chr6-7231300-C-T. GRCh37 (hg19) VCF-style: chr6-7231533-C-T.
Other names: c.3201C>T, p.Ser1067= (NM_001003698.4, NM_001003700.2, NM_001168344.2).
Identifiers: ClinVar variation 3048022 (VCV003048022.2), dbSNP rs756143736, ClinGen allele CA3626096.
Genomic context (GRCh38, chr6:7,231,300, plus strand): 5'-CAAGCCCCCGCTGCTTTTGCCAAAGCCCCCCGTGACAGAAGAGCTGCCCCCGCTGGCCTC[C>T]ATTGCCCAGATCATCTCATCTGTATCCTCGGCCCCCACCCTGCTGAAAACCAAGGTGGCG-3'
Protein context (NP_001003699.1, residues 1057-1077): PVTEELPPLA[Ser1067=]IAQIISSVSS